The following is an entry in ClinVar:

NM_002911.4(UPF1):c.3152_3153del (p.Gln1051fs)

Gene: UPF1 (UPF1 RNA helicase and ATPase; plus strand). Cytogenetic location: 19p13.11.
Variant type: Deletion.
Coding change: c.3152_3153del on transcript NM_002911.4 (MANE Select); coding-DNA positions 3152 to 3153, 2 bases deleted (AG; older notation c.3152_3153delAG).
Protein change: p.Gln1051fs; shifts the reading frame from glutamine 1051.
Molecular consequence: frameshift variant.
Genome position (GRCh38, 1-based): chr19:18,865,693-18,865,694, AG deleted. VCF-style (leftmost placement, unchanged base first): chr19-18865692-CAG-C. GRCh37 (hg19) VCF-style: chr19-18976501-CAG-C.
Other names: c.3185_3186del, p.Gln1062fs (NM_001297549.2); short protein forms Q1051fs, Q1062fs.
Identifiers: ClinVar variation 4536450 (VCV004536450.1).

ClinVar aggregate classification (germline): Uncertain significance (1 of 4 stars; one submission).

Submission:

GeneDx
Classification: Uncertain significance. Last evaluated: 2025-06-06. Review status: criteria provided, single submitter. Criteria: GeneDx Variant Classification Process June 2021. Collection method: clinical testing. Allele origin: germline. Affected: yes.
Comment: Not observed at significant frequency in large population cohorts (gnomAD); Has not been previously published as pathogenic or benign to our knowledge; Frameshift variant predicted to result in abnormal protein length as the last 68 amino acid(s) are replaced with 33 different amino acid(s) with an unclear effect on protein function